The following is an entry in ClinVar:

NM_015030.2(FRYL):c.6945G>A (p.Ala2315=)

Gene: FRYL (FRY like transcription coactivator; minus strand). Cytogenetic location: 4p11.
Variant type: single nucleotide variant.
Coding change: c.6945G>A on transcript NM_015030.2 (MANE Select); coding-DNA position 6945, G replaced by A.
Protein change: p.Ala2315=; no amino-acid change (alanine 2315 retained).
Molecular consequence: synonymous variant.
Genome position (GRCh38, 1-based): chr4:48,528,295, C>T on the plus strand (G>A on the coding strand, the complement: FRYL is on the minus strand). VCF-style: chr4-48528295-C-T. GRCh37 (hg19) VCF-style: chr4-48530312-C-T.
Identifiers: ClinVar variation 5038909 (VCV005038909.1).

ClinVar aggregate classification (germline): Likely benign (1 of 4 stars; one submission).

Submission:

CeGaT Center for Human Genetics Tuebingen
Classification: Likely benign. Last evaluated: 2026-08-01. Review status: criteria provided, single submitter. Criteria: CeGaT Center For Human Genetics Tuebingen Variant Classification Criteria Version 2. Collection method: clinical testing. Allele origin: germline. Affected: yes. Observed: 1 variant allele.
Comment: FRYL: BP4, BP7